The following is an entry in ClinVar:

NM_176787.5(PIGN):c.809C>T (p.Ser270Phe)

Gene: PIGN (phosphatidylinositol glycan anchor biosynthesis class N; minus strand). Cytogenetic location: 18q21.33.
Variant type: single nucleotide variant.
Coding change: c.809C>T on transcript NM_176787.5 (MANE Select); coding-DNA position 809, C replaced by T.
Protein change: p.Ser270Phe; replaces serine 270 with phenylalanine.
Molecular consequence: missense variant.
Genome position (GRCh38, 1-based): chr18:62,146,022, G>A on the plus strand (C>T on the coding strand, the complement: PIGN is on the minus strand). VCF-style: chr18-62146022-G-A. GRCh37 (hg19) VCF-style: chr18-59813255-G-A.
Other names: c.809C>T, p.Ser270Phe (NM_001438896.1, NM_001438904.1, NM_001438905.1 and 2 more transcripts); short protein forms S270F.
Identifiers: ClinVar variation 4854184 (VCV004854184.1).

ClinVar aggregate classification (germline): Uncertain significance (1 of 4 stars; one submission).

Conditions:
Multiple congenital anomalies-hypotonia-seizures syndrome 1 (MCAHS1). Also called: GLYCOSYLPHOSPHATIDYLINOSITOL BIOSYNTHESIS DEFECT 3; PIGN-CDG; Congenital disorder of glycosylation due to PIGN deficiency. Identifiers: Orphanet 280633, MedGen C3279775, MONDO:0013563, OMIM 614080.

gnomAD v4.1: 4 of 1,464,964 alleles (0.00027%); highest among the groups gnomAD compares: South Asian, 0.0037%; no homozygotes.

Submission:

3billion
Classification: Uncertain significance for Multiple congenital anomalies-hypotonia-seizures syndrome 1. Last evaluated: 2025-12-18. Review status: criteria provided, single submitter. Criteria: ACMG Guidelines, 2015. Collection method: clinical testing. Allele origin: germline. Affected: yes.
Comment: The variant is observed at an extremely low frequency in the gnomAD v4.1.0 dataset (total allele frequency: <0.001%). Predicted Consequence/Location: Missense variant. The majority of the known disease-causing variants of this gene are variants expected to result in premature termination of the protein. In silico tool predictions suggest damaging effect of the variant on gene or gene product [3Cnet: 0.86 (> 0.75, sensitivity 0.96 and precision 0.92)]. A different missense change at the same codon (p.Ser270Pro) has been reported as pathogenic/likely pathogenic with strong evidence (ClinVar ID: VCV000101047 /PMID: 24253414). Therefore, this variant is classified as VUS according to the recommendation of ACMG/AMP guideline.

Literature cited by the submitters: PubMed 24253414.